The following is an entry in ClinVar:

NM_001197104.2(KMT2A):c.1682C>T (p.Pro561Leu)

Gene: KMT2A (lysine methyltransferase 2A; plus strand). Cytogenetic location: 11q23.3.
Variant type: single nucleotide variant.
Coding change: c.1682C>T on transcript NM_001197104.2 (MANE Select); coding-DNA position 1682, C replaced by T.
Protein change: p.Pro561Leu; replaces proline 561 with leucine.
Molecular consequence: missense variant.
Genome position (GRCh38, 1-based): chr11:118,472,841, C>T. VCF-style: chr11-118472841-C-T. GRCh37 (hg19) VCF-style: chr11-118343556-C-T.
Other names: c.1781C>T, p.Pro594Leu (NM_001412597.1); c.1682C>T, p.Pro561Leu (NM_005933.4); short protein forms P561L, P594L.
Identifiers: ClinVar variation 1719049 (VCV001719049.6), dbSNP rs1555036131, ClinGen allele CA382810678.

ClinVar aggregate classification (germline): Uncertain significance. Review status: criteria provided, multiple submitters, no conflicts (2 of 4 stars). 2 submissions from 2 submitters: Uncertain significance (2). Last evaluated 2024-06-07.

Allele frequency attached by ClinVar (database versions not stated): gnomAD exomes 0.00001; gnomAD 0.00005.
gnomAD v4.1: 12 of 1,613,746 alleles (0.00074%); highest among the groups gnomAD compares: Admixed American, 0.02%; no homozygotes.

Submissions (2):

Women's Health and Genetics/Laboratory Corporation of America, LabCorp
Classification: Uncertain significance. Last evaluated: 2024-06-07. Review status: criteria provided, single submitter. Criteria: LabCorp Variant Classification Summary - May 2015. Collection method: clinical testing. Allele origin: germline.
Comment: Variant summary: KMT2A c.1682C>T (p.Pro561Leu) results in a non-conservative amino acid change in the encoded protein sequence. Five of five in-silico tools predict a damaging effect of the variant on protein function. The variant allele was found at a frequency of 1.6e-05 in 251390 control chromosomes (gnomAD). The available data on variant occurrences in the general population are insufficient to allow any conclusion about variant significance. To our knowledge, no occurrence of c.1682C>T in individuals affected with Wiedemann-Steiner Syndrome and no experimental evidence demonstrating its impact on protein function have been reported. ClinVar contains an entry for this variant (Variation ID: 1719049). Based on the evidence outlined above, the variant was classified as uncertain significance.

Labcorp Genetics (formerly Invitae), Labcorp
Classification: Uncertain significance. Last evaluated: 2022-09-07. Review status: criteria provided, single submitter. Criteria: Invitae Variant Classification Sherloc (09022015). Collection method: clinical testing. Allele origin: germline.
Comment: This sequence change replaces proline, which is neutral and non-polar, with leucine, which is neutral and non-polar, at codon 561 of the KMT2A protein (p.Pro561Leu). In summary, the available evidence is currently insufficient to determine the role of this variant in disease. Therefore, it has been classified as a Variant of Uncertain Significance. Advanced modeling of protein sequence and biophysical properties (such as structural, functional, and spatial information, amino acid conservation, physicochemical variation, residue mobility, and thermodynamic stability) performed at Invitae indicates that this missense variant is expected to disrupt KMT2A protein function. This variant has not been reported in the literature in individuals affected with KMT2A-related conditions. This variant is present in population databases (no rsID available, gnomAD 0.01%).